The following is an entry in ClinVar:

ClinVar aggregate classification (germline): Pathogenic. Review status: criteria provided, multiple submitters, no conflicts (2 of 4 stars). 3 submissions from 3 submitters: Pathogenic (3). Last evaluated 2025-02-08.

Conditions:
DE SANCTIS-CACCHIONE SYNDROME. Identifiers: MedGen C0265201, MONDO:0010217, OMIM 278800.

Allele frequency attached by ClinVar (database versions not stated): TOPMed 0.00002.

Submissions (3):

Dasa
Classification: Pathogenic. Last evaluated: 2025-02-08. Review status: criteria provided, single submitter. Criteria: DASA Assertion Criteria. Collection method: clinical testing. Allele origin: germline.
Comment: NM_000124.4(ERCC6):c.3445G>T (p.Glu1149*) introduces a premature termination codon predicted to result in loss of normal protein function. Loss-of-function is an established mechanism of disease for this gene. This variant has been observed in affected individuals with related phenotype in a genotype context consistent with recessive disease. The variant is present at low frequency in population datasets. Based on the available data, this variant is classified as pathogenic.

Labcorp Genetics (formerly Invitae), Labcorp
Classification: Pathogenic. Last evaluated: 2024-10-08. Review status: criteria provided, single submitter. Criteria: Invitae Variant Classification Sherloc (09022015). Collection method: clinical testing. Allele origin: germline.
Comment: This sequence change creates a premature translational stop signal (p.Glu1149*) in the ERCC6 gene. It is expected to result in an absent or disrupted protein product. Loss-of-function variants in ERCC6 are known to be pathogenic (PMID: 18628313, 29572252). This variant is not present in population databases (gnomAD no frequency). This variant has not been reported in the literature in individuals affected with ERCC6-related conditions. ClinVar contains an entry for this variant (Variation ID: 802570). For these reasons, this variant has been classified as Pathogenic.

Mendelics
Classification: Pathogenic for DE SANCTIS-CACCHIONE SYNDROME. Last evaluated: 2019-05-28. Review status: criteria provided, single submitter. Criteria: Mendelics Assertion Criteria 2017. Collection method: clinical testing. Allele origin: unknown.

Literature cited by the submitters: PubMed 18628313 (cited by Labcorp Genetics (formerly Invitae), Labcorp); PubMed 29572252 (cited by Labcorp Genetics (formerly Invitae), Labcorp).

NM_000124.4(ERCC6):c.3445G>T (p.Glu1149Ter)

Gene: ERCC6 (ERCC excision repair 6, chromatin remodeling factor; minus strand). Cytogenetic location: 10q11.23.
Variant type: single nucleotide variant.
Coding change: c.3445G>T on transcript NM_000124.4 (MANE Select); coding-DNA position 3445, G replaced by T.
Protein change: p.Glu1149Ter; replaces glutamic acid 1149 with a stop codon.
Molecular consequence: nonsense.
Genome position (GRCh38, 1-based): chr10:49,470,515, C>A on the plus strand (G>T on the coding strand, the complement: ERCC6 is on the minus strand). VCF-style: chr10-49470515-C-A. GRCh37 (hg19) VCF-style: chr10-50678561-C-A.
Other names: c.3445G>T, p.Glu1149Ter (NM_001346440.2); short protein forms E1149*.
Identifiers: ClinVar variation 802570 (VCV000802570.7), dbSNP rs1250248245, ClinGen allele CA376714769.